The following is an entry in ClinVar:

ClinVar aggregate classification (germline): Likely benign. Review status: criteria provided, multiple submitters, no conflicts (2 of 4 stars). 2 submissions from 2 submitters: Likely benign (2). Last evaluated 2025-11-13.

Conditions:
FMN2-related disorder. Also called: FMN2-related condition.

Submissions (2):

PreventionGenetics, part of Exact Sciences
Classification: Likely benign for FMN2-related condition. Last evaluated: 2025-11-13. Review status: criteria provided, single submitter. Criteria: ACMG Guidelines, 2015. Collection method: clinical testing. Allele origin: germline.
Comment: This variant is classified as likely benign based on ACMG/AMP sequence variant interpretation guidelines (Richards et al. 2015 PMID: 25741868, with internal and published modifications).

Blueprint Genetics
Classification: Likely benign. Last evaluated: 2024-11-19. Review status: criteria provided, single submitter. Criteria: ACMG Guidelines, 2015. Collection method: clinical testing. Allele origin: germline.

NM_020066.5(FMN2):c.3327T>A (p.Pro1109=)

Gene: FMN2 (formin 2; plus strand). Cytogenetic location: 1q43.
Variant type: single nucleotide variant.
Coding change: c.3327T>A on transcript NM_020066.5 (MANE Select); coding-DNA position 3327, T replaced by A.
Protein change: p.Pro1109=; no amino-acid change (proline 1109 retained).
Molecular consequence: synonymous variant. On other transcripts: intron variant (1).
Genome position (GRCh38, 1-based): chr1:240,208,139, T>A. VCF-style: chr1-240208139-T-A. GRCh37 (hg19) VCF-style: chr1-240371439-T-A.
Other names: c.3327T>A (NM_020066.4); c.3339T>A, p.Pro1113= (NM_001305424.2); c.1986+19877T>A (NM_001348094.2).
Identifiers: ClinVar variation 4948786 (VCV004948786.2).